The following is an entry in ClinVar:

NM_001447.3(FAT2):c.1414C>T (p.Pro472Ser)

Gene: FAT2 (FAT atypical cadherin 2; minus strand). Cytogenetic location: 5q33.1.
Variant type: single nucleotide variant.
Coding change: c.1414C>T on transcript NM_001447.3 (MANE Select); coding-DNA position 1414, C replaced by T.
Protein change: p.Pro472Ser; replaces proline 472 with serine.
Molecular consequence: missense variant.
Genome position (GRCh38, 1-based): chr5:151,567,518, G>A on the plus strand (C>T on the coding strand, the complement: FAT2 is on the minus strand). VCF-style: chr5-151567518-G-A. GRCh37 (hg19) VCF-style: chr5-150947079-G-A.
Other names: short protein forms P472S.
Identifiers: ClinVar variation 2052185 (VCV002052185.5), dbSNP rs369901078, ClinGen allele CA3522259.

ClinVar aggregate classification (germline): Uncertain significance. Review status: criteria provided, multiple submitters, no conflicts (2 of 4 stars). 2 submissions from 2 submitters: Uncertain significance (2). Last evaluated 2024-01-03.

Allele frequency attached by ClinVar (database versions not stated): ExAC 0.00007; 1000 Genomes Project 30x 0.00016; ESP Exome Variant Server 0.00023; 1000 Genomes Project 0.00020; gnomAD exomes 0.00003; TOPMed 0.00054; gnomAD 0.00038.
gnomAD v4.1: 115 of 1,614,128 alleles (0.0071%); highest among the groups gnomAD compares: African/African-American, 0.071%; no homozygotes.

Submissions (2):

Ambry Genetics
Classification: Uncertain significance. Last evaluated: 2024-01-03. Review status: criteria provided, single submitter. Criteria: Ambry Variant Classification Scheme 2023. Collection method: clinical testing. Allele origin: germline.

Labcorp Genetics (formerly Invitae), Labcorp
Classification: Uncertain significance. Last evaluated: 2022-10-17. Review status: criteria provided, single submitter. Criteria: Invitae Variant Classification Sherloc (09022015). Collection method: clinical testing. Allele origin: germline.
Comment: In summary, the available evidence is currently insufficient to determine the role of this variant in disease. Therefore, it has been classified as a Variant of Uncertain Significance. Advanced modeling of protein sequence and biophysical properties (such as structural, functional, and spatial information, amino acid conservation, physicochemical variation, residue mobility, and thermodynamic stability) has been performed at Invitae for this missense variant, however the output from this modeling did not meet the statistical confidence thresholds required to predict the impact of this variant on FAT2 protein function. This variant has not been reported in the literature in individuals affected with FAT2-related conditions. This variant is present in population databases (rs369901078, gnomAD 0.08%), and has an allele count higher than expected for a pathogenic variant. This sequence change replaces proline, which is neutral and non-polar, with serine, which is neutral and polar, at codon 472 of the FAT2 protein (p.Pro472Ser).